The following is an entry in ClinVar:

ClinVar aggregate classification (germline): Uncertain significance (1 of 4 stars; one submission).

Allele frequency attached by ClinVar (database versions not stated): gnomAD 0.00009 and 0.00010; TOPMed 0.00009; ExAC 0.00010; gnomAD exomes 0.00014 and 0.00017; ESP Exome Variant Server 0.00016.
gnomAD v4.1: 259 of 1,586,570 alleles (0.016%); highest among the groups gnomAD compares: Non-Finnish European, 0.019%; no homozygotes.

Submission:

Labcorp Genetics (formerly Invitae), Labcorp
Classification: Uncertain significance. Last evaluated: 2025-07-13. Review status: criteria provided, single submitter. Criteria: Invitae Variant Classification Sherloc (09022015). Collection method: clinical testing. Allele origin: germline.
Comment: This sequence change replaces arginine, which is basic and polar, with cysteine, which is neutral and slightly polar, at codon 192 of the FSCN2 protein (p.Arg192Cys). This variant is present in population databases (rs377025075, gnomAD 0.04%). This variant has not been reported in the literature in individuals affected with FSCN2-related conditions. ClinVar contains an entry for this variant (Variation ID: 841388). An algorithm developed to predict the effect of missense changes on protein structure and function (PolyPhen-2) suggests that this variant is likely to be disruptive. In summary, the available evidence is currently insufficient to determine the role of this variant in disease. Therefore, it has been classified as a Variant of Uncertain Significance.

NM_012418.4(FSCN2):c.574C>T (p.Arg192Cys)

Gene: FSCN2 (fascin actin-bundling protein 2, retinal; plus strand). Cytogenetic location: 17q25.3.
Variant type: single nucleotide variant.
Coding change: c.574C>T on transcript NM_012418.4 (MANE Select); coding-DNA position 574, C replaced by T.
Protein change: p.Arg192Cys; replaces arginine 192 with cysteine.
Molecular consequence: missense variant.
Genome position (GRCh38, 1-based): chr17:81,529,105, C>T. VCF-style: chr17-81529105-C-T. GRCh37 (hg19) VCF-style: chr17-79496131-C-T.
Other names: c.574C>T, p.Arg192Cys (NM_001077182.3); short protein forms R192C.
Identifiers: ClinVar variation 841388 (VCV000841388.7), dbSNP rs377025075, ClinGen allele CA8836719.